The following is an entry in ClinVar:

NM_012123.4(MTO1):c.1066G>A (p.Glu356Lys)

Gene: MTO1 (mitochondrial tRNA translation optimization 1; plus strand). Cytogenetic location: 6q13.
Variant type: single nucleotide variant.
Coding change: c.1066G>A on transcript NM_012123.4 (MANE Select); coding-DNA position 1066, G replaced by A.
Protein change: p.Glu356Lys; replaces glutamic acid 356 with lysine.
Molecular consequence: missense variant.
Genome position (GRCh38, 1-based): chr6:73,480,063, G>A. VCF-style: chr6-73480063-G-A. GRCh37 (hg19) VCF-style: chr6-74189786-G-A.
Other names: c.1066G>A, p.Glu356Lys (NM_001123226.2, NM_133645.3); c.1066G>A (NM_001123226.1); short protein forms E356K.
Identifiers: ClinVar variation 1220428 (VCV001220428.8), dbSNP rs1012440521, ClinGen allele CA140961236.

ClinVar aggregate classification (germline): Uncertain significance. Review status: criteria provided, multiple submitters, no conflicts (2 of 4 stars). 3 submissions from 3 submitters: Uncertain significance (3). Last evaluated 2025-04-01.

Conditions:
Inborn genetic diseases. Identifiers: MedGen C0950123, MeSH D030342.
Mitochondrial hypertrophic cardiomyopathy with lactic acidosis due to MTO1 deficiency. Also called: CARDIOMYOPATHY, INFANTILE HYPERTROPHIC MITOCHONDRIAL, AND LACTIC ACIDOSIS; Combined oxidative phosphorylation deficiency 10. Identifiers: Orphanet 314637, MedGen C4749921, MONDO:0013865, OMIM 614702.

Allele frequency attached by ClinVar (database versions not stated): gnomAD exomes 0.00001.
gnomAD v4.1: 10 of 1,614,182 alleles (0.00062%); highest among the groups gnomAD compares: Non-Finnish European, 0.00085%; no homozygotes.

Submissions (3):

Ambry Genetics
Classification: Uncertain significance for Inborn genetic diseases. Last evaluated: 2025-04-01. Review status: criteria provided, single submitter. Criteria: Ambry Variant Classification Scheme 2023. Collection method: clinical testing. Allele origin: germline.

Labcorp Genetics (formerly Invitae), Labcorp
Classification: Uncertain significance for Mitochondrial hypertrophic cardiomyopathy with lactic acidosis due to MTO1 deficiency. Last evaluated: 2021-10-20. Review status: criteria provided, single submitter. Criteria: Invitae Variant Classification Sherloc (09022015). Collection method: clinical testing. Allele origin: germline.
Comment: This sequence change replaces glutamic acid, which is acidic and polar, with lysine, which is basic and polar, at codon 356 of the MTO1 protein (p.Glu356Lys). This variant is not present in population databases (gnomAD no frequency). This variant has not been reported in the literature in individuals affected with MTO1-related conditions. Algorithms developed to predict the effect of missense changes on protein structure and function are either unavailable or do not agree on the potential impact of this missense change (SIFT: "Deleterious"; PolyPhen-2: "Benign"; Align-GVGD: "Class C0"). In summary, the available evidence is currently insufficient to determine the role of this variant in disease. Therefore, it has been classified as a Variant of Uncertain Significance.

GeneDx
Classification: Uncertain significance. Last evaluated: 2021-07-01. Review status: criteria provided, single submitter. Criteria: GeneDx Variant Classification Process June 2021. Collection method: clinical testing. Allele origin: germline. Affected: yes.
Comment: Not observed at significant frequency in large population cohorts (Lek et al., 2016); In silico analysis supports that this missense variant has a deleterious effect on protein structure/function; Has not been previously published as pathogenic or benign to our knowledge